The following is an entry in ClinVar:

ClinVar aggregate classification (germline): Uncertain significance (1 of 4 stars; one submission).

Conditions:
Maturity-onset diabetes of the young type 3. Also called: MODY, type III; MODY type 3. Identifiers: Orphanet 552, MedGen C1838100, MeSH C563933, MONDO:0010894, OMIM 600496. Disease mechanism: loss of function.

Submission:

MVZ Medizinische Genetik Mainz
Classification: Uncertain significance for Maturity-onset diabetes of the young type 3. Last evaluated: 2026-01-21. Review status: criteria provided, single submitter. Criteria: UK Practice Guidelines For Variant Classification V4 01 2020. Collection method: clinical testing. Allele origin: germline. Inheritance: Autosomal dominant inheritance. Observed: 1 variant allele.
Comment: ACMG Criteria: PM1_SUP,PM2_SUP,PM5_SUP,PP3

NM_000545.8(HNF1A):c.619G>A (p.Gly207Ser)

Gene: HNF1A (HNF1 homeobox A; plus strand). Cytogenetic location: 12q24.31.
Variant type: single nucleotide variant.
Coding change: c.619G>A on transcript NM_000545.8 (MANE Select); coding-DNA position 619, G replaced by A.
Protein change: p.Gly207Ser; replaces glycine 207 with serine.
Molecular consequence: missense variant.
Genome position (GRCh38, 1-based): chr12:120,993,612, G>A. VCF-style: chr12-120993612-G-A. GRCh37 (hg19) VCF-style: chr12-121431415-G-A.
Other names: c.619G>A, p.Gly207Ser (NM_001306179.2, NM_001406915.1); short protein forms G207S.
Identifiers: ClinVar variation 4796767 (VCV004796767.1).
Genomic context (GRCh38, chr12:120,993,612, plus strand): 5'-GAAGAGCCCACAGGTGATGAGCTACCAACCAAGAAGGGGCGGAGGAACCGTTTCAAGTGG[G>A]GCCCAGCATCCCAGCAGATCCTGTTCCAGGCCTATGAGAGGCAGAAGAACCCTAGCAAGG-3'
Protein context (NP_000536.6, residues 197-217): KKGRRNRFKW[Gly207Ser]PASQQILFQA